The following is an entry in ClinVar:

ClinVar aggregate classification (germline): Pathogenic (1 of 4 stars; one submission).

Conditions:
Hereditary cancer-predisposing syndrome. Also called: Neoplastic Syndromes, Hereditary; Hereditary neoplastic syndrome; Tumor predisposition; Hereditary Cancer Syndrome. Identifiers: Orphanet 140162, MedGen C0027672, MeSH D009386, MONDO:0015356.

Submission:

Ambry Genetics
Classification: Pathogenic for Hereditary cancer-predisposing syndrome. Last evaluated: 2026-01-30. Review status: criteria provided, single submitter. Criteria: Ambry Variant Classification Scheme 2023. Collection method: clinical testing. Allele origin: germline.
Comment: The c.99_100delCT pathogenic mutation, located in coding exon 1 of the BARD1 gene, results from a deletion of two nucleotides at nucleotide positions 99 to 100, causing a translational frameshift with a predicted alternate stop codon (p.W34Gfs*21). This variant is considered to be rare based on population cohorts in the Genome Aggregation Database (gnomAD). This alteration is expected to result in loss of function by premature protein truncation or nonsense-mediated mRNA decay. As such, this alteration is interpreted as a disease-causing mutation.

NM_000465.4(BARD1):c.99_100del (p.Trp34fs)

Gene: BARD1 (BRCA1 associated RING domain 1; minus strand). Cytogenetic location: 2q35.
Variant type: Deletion.
Coding change: c.99_100del on transcript NM_000465.4 (MANE Select); coding-DNA positions 99 to 100, 2 bases deleted (CT; older notation c.99_100delCT).
Protein change: p.Trp34fs; shifts the reading frame from tryptophan 34.
Molecular consequence: frameshift variant. On other transcripts: non-coding transcript variant (3).
Genome position (GRCh38, 1-based): chr2:214,809,470-214,809,471, AG deleted on the plus strand (CT on the coding strand, the reverse complement: BARD1 is on the minus strand). VCF-style (leftmost placement, unchanged base first): chr2-214809469-CAG-C. GRCh37 (hg19) VCF-style: chr2-215674193-CAG-C.
Other names: c.99_100del, p.Trp34fs (NM_001282545.2, NM_001282548.2, NM_001282549.2 and 1 more transcripts); short protein forms W34fs.
Identifiers: ClinVar variation 4824125 (VCV004824125.1).